The following is an entry in ClinVar:

ClinVar aggregate classification (germline): Uncertain significance. Review status: criteria provided, multiple submitters, no conflicts (2 of 4 stars). 2 submissions from 2 submitters: Uncertain significance (2). Last evaluated 2023-12-18.

Conditions:
Marfan syndrome (MFS). Also called: Marfan syndrome, classic; FBN1-Related Marfan Syndrome; Marfan syndrome type 1; Marfan's syndrome; MARFAN SYNDROME, TYPE I. Identifiers: Orphanet 284963, Orphanet 558, MedGen C0024796, MONDO:0007947, OMIM 154700.

Allele frequency attached by ClinVar (database versions not stated): gnomAD exomes below 0.00001.
gnomAD v4.1: 2 of 1,614,212 alleles (0.00012%); highest among the groups gnomAD compares: Non-Finnish European, 0.00017%; no homozygotes.

Submissions (2):

All of Us Research Program, National Institutes of Health
Classification: Uncertain significance for Marfan syndrome. Last evaluated: 2023-12-18. Review status: criteria provided, single submitter. Criteria: ACMG Guidelines, 2015. Collection method: clinical testing. Allele origin: germline. Inheritance: Autosomal dominant inheritance. Observed: 1 variant allele, 1 heterozygote.
Comment: This missense variant replaces asparagine with serine at codon 1205 of the FBN1 protein. Computational prediction tool indicates that this variant may have a deleterious impact on protein structure and function. To our knowledge, functional studies have not been reported for this variant. This variant has not been reported in individuals affected with FBN1-related disorders in the literature. This variant has not been identified in the general population by the Genome Aggregation Database (gnomAD). The available evidence is insufficient to determine the role of this variant in disease conclusively. Therefore, this variant is classified as a Variant of Uncertain Significance.

This study involves interpretation of variants in research participants for the purpose of population health screening. Participant phenotype was not available at the time of variant classification. Additional details can be found in publication PMID: 35346344, PMCID: PMC8962531

GeneDx
Classification: Uncertain significance. Last evaluated: 2020-08-26. Review status: criteria provided, single submitter. Criteria: GeneDx Variant Classification Process June 2021. Collection method: clinical testing. Allele origin: germline. Affected: yes.
Comment: Not observed in large population cohorts (Lek et al., 2016); In silico analysis supports that this missense variant has a deleterious effect on protein structure/function; Has not been previously published as pathogenic or benign to our knowledge

NM_000138.5(FBN1):c.3614A>G (p.Asn1205Ser)

Gene: FBN1 (fibrillin 1; minus strand). Cytogenetic location: 15q21.1.
Variant type: single nucleotide variant.
Coding change: c.3614A>G on transcript NM_000138.5 (MANE Select); coding-DNA position 3614, A replaced by G.
Protein change: p.Asn1205Ser; replaces asparagine 1205 with serine.
Molecular consequence: missense variant.
Genome position (GRCh38, 1-based): chr15:48,485,472, T>C on the plus strand (A>G on the coding strand, the complement: FBN1 is on the minus strand). VCF-style: chr15-48485472-T-C. GRCh37 (hg19) VCF-style: chr15-48777669-T-C.
Other names: p.N1205S:AAT>AGT; short protein forms N1205S.
Identifiers: ClinVar variation 200021 (VCV000200021.4), dbSNP rs794728207, ClinGen allele CA014371.